The following is an entry in ClinVar:

ClinVar aggregate classification (germline): Likely pathogenic (1 of 4 stars; one submission).

Conditions:
Intellectual developmental disorder with dysmorphic facies and ptosis (IDDDFP). Identifiers: Orphanet 698090, MedGen C4310617, MONDO:0015022, OMIM 617333.

Submission:

Centre for Inherited Metabolic Diseases, Karolinska University Hospital
Classification: Likely pathogenic for Intellectual developmental disorder with dysmorphic facies and ptosis. Last evaluated: 2025-08-11. Review status: criteria provided, single submitter. Criteria: ACMG Guidelines, 2015. Collection method: clinical testing. Allele origin: de novo. Inheritance: Autosomal dominant inheritance. Affected: yes. Observed: 1 heterozygote.
Comment: Used criteria: PS2, PM2, PP2, PP3

NM_001003694.2(BRPF1):c.1199G>A (p.Cys400Tyr)

Gene: BRPF1 (bromodomain and PHD finger containing 1; plus strand). Cytogenetic location: 3p25.3.
Variant type: single nucleotide variant.
Coding change: c.1199G>A on transcript NM_001003694.2 (MANE Select); coding-DNA position 1199, G replaced by A.
Protein change: p.Cys400Tyr; replaces cysteine 400 with tyrosine.
Molecular consequence: missense variant. On other transcripts: non-coding transcript variant (1).
Genome position (GRCh38, 1-based): chr3:9,739,598, G>A. VCF-style: chr3-9739598-G-A. GRCh37 (hg19) VCF-style: chr3-9781282-G-A.
Other names: c.1199G>A, p.Cys400Tyr (NM_001319049.2, NM_001319050.2, NM_001410704.1 and 7 more transcripts); short protein forms C400Y.
Identifiers: ClinVar variation 4075843 (VCV004075843.1).